The following is an entry in ClinVar:

ClinVar aggregate classification (germline): Uncertain significance (1 of 4 stars; one submission).

Conditions:
Deafness-lymphedema-leukemia syndrome. Also called: Lymphedema, primary, with myelodysplasia; Emberger syndrome. Identifiers: Orphanet 3226, MedGen C3279664, MONDO:0013540, OMIM 614038.
Monocytopenia with susceptibility to infections. Also called: MONOCYTOPENIA AND MYCOBACTERIAL INFECTION SYNDROME; MONOCYTOPENIA WITH SUSCEPTIBILITY TO MYCOBACTERIAL, FUNGAL, AND PAPILLOMAVIRUS INFECTIONS AND MYELODYSPLASIA; COMBINED IMMUNODEFICIENCY WITH SUSCEPTIBILITY TO MYCOBACTERIAL, VIRAL, AND FUNGAL INFECTIONS; Dendritic cell, monocyte, B lymphocyte, and natural killer lymphocyte deficiency; IMMUNODEFICIENCY 21; GATA2 DEFICIENCY. Identifiers: Orphanet 228423, MedGen C3280030, MONDO:0013607, OMIM 614172.

Submission:

Labcorp Genetics (formerly Invitae), Labcorp
Classification: Uncertain significance for Monocytopenia with susceptibility to infections; Deafness-lymphedema-leukemia syndrome. Last evaluated: 2023-05-08. Review status: criteria provided, single submitter. Criteria: Invitae Variant Classification Sherloc (09022015). Collection method: clinical testing. Allele origin: germline.
Comment: This variant has not been reported in the literature in individuals affected with GATA2-related conditions. This variant is not present in population databases (gnomAD no frequency). This sequence change replaces proline, which is neutral and non-polar, with histidine, which is basic and polar, at codon 304 of the GATA2 protein (p.Pro304His). Advanced modeling of protein sequence and biophysical properties (such as structural, functional, and spatial information, amino acid conservation, physicochemical variation, residue mobility, and thermodynamic stability) performed at Invitae indicates that this missense variant is expected to disrupt GATA2 protein function. In summary, the available evidence is currently insufficient to determine the role of this variant in disease. Therefore, it has been classified as a Variant of Uncertain Significance. Experimental studies have shown that this missense change affects GATA2 function (PMID: 27389056).

Literature cited by the submitters: PubMed 27389056.

NM_032638.5(GATA2):c.911C>A (p.Pro304His)

Gene: GATA2 (GATA binding protein 2; minus strand). Cytogenetic location: 3q21.3.
Variant type: single nucleotide variant.
Coding change: c.911C>A on transcript NM_032638.5 (MANE Select); coding-DNA position 911, C replaced by A.
Protein change: p.Pro304His; replaces proline 304 with histidine.
Molecular consequence: missense variant.
Genome position (GRCh38, 1-based): chr3:128,483,966, G>T on the plus strand (C>A on the coding strand, the complement: GATA2 is on the minus strand). VCF-style: chr3-128483966-G-T. GRCh37 (hg19) VCF-style: chr3-128202809-G-T.
Other names: c.911C>A, p.Pro304His (NM_001145662.1, NM_001145661.2); short protein forms P304H.
Identifiers: ClinVar variation 2943256 (VCV002943256.3), dbSNP rs2472925113, ClinGen allele CA354404771.